The following is an entry in ClinVar:

ClinVar aggregate classification (germline): Likely benign (1 of 4 stars; one submission).

Allele frequency attached by ClinVar (database versions not stated): gnomAD exomes 0.00004; ExAC 0.00005; 1000 Genomes Project 30x 0.00016; 1000 Genomes Project 0.00020.
gnomAD v4.1: 66 of 1,613,984 alleles (0.0041%); highest among the groups gnomAD compares: South Asian, 0.04%; 1 homozygote.

Submission:

CeGaT Center for Human Genetics Tuebingen
Classification: Likely benign. Last evaluated: 2022-07-01. Review status: criteria provided, single submitter. Criteria: CeGaT Center For Human Genetics Tuebingen Variant Classification Criteria Version 2. Collection method: clinical testing. Allele origin: germline. Affected: yes. Observed: 1 variant allele.
Comment: NPC1L1: BP4, BP7

NM_001101648.2(NPC1L1):c.3081C>T (p.Gly1027=)

Gene: NPC1L1 (NPC1 like intracellular cholesterol transporter 1; minus strand). Cytogenetic location: 7p13.
Variant type: single nucleotide variant.
Coding change: c.3081C>T on transcript NM_001101648.2 (MANE Select); coding-DNA position 3081, C replaced by T.
Protein change: p.Gly1027=; no amino-acid change (glycine 1027 retained).
Molecular consequence: synonymous variant.
Genome position (GRCh38, 1-based): chr7:44,520,820, G>A on the plus strand (C>T on the coding strand, the complement: NPC1L1 is on the minus strand). VCF-style: chr7-44520820-G-A. GRCh37 (hg19) VCF-style: chr7-44560419-G-A.
Other names: c.3081C>T, p.Gly1027= (NM_013389.3).
Identifiers: ClinVar variation 2657432 (VCV002657432.24), dbSNP rs539209049, ClinGen allele CA4241642.